The following is an entry in ClinVar:

ClinVar aggregate classification (germline): Pathogenic/Likely pathogenic. Review status: criteria provided, multiple submitters, no conflicts (2 of 4 stars). 5 submissions from 5 submitters: Pathogenic (4); Likely pathogenic (1). Last evaluated 2026-07-18.

Conditions:
CYP21A2-related disorder. Also called: CYP21A2-related condition.
21-Hydroxylase-Deficient Congenital Adrenal Hyperplasia. Also called: ADRENAL HYPERPLASIA III; ADRENAL HYPERPLASIA, CONGENITAL, DUE TO 21-HYDROXYLASE DEFICIENCY. Identifiers: MedGen C2936858, OMIM 201910.
Congenital adrenal hyperplasia. Identifiers: Orphanet 418, MedGen C0001627, MONDO:0018479, HP:0008258.

Allele frequency attached by ClinVar (database versions not stated): gnomAD 0.00014.

Submissions (5):

Department of Medical Genetics, Ordu University Medical School Training and Research Hospital
Classification: Pathogenic for 21-Hydroxylase-Deficient Congenital Adrenal Hyperplasia. Last evaluated: 2026-07-18. Review status: criteria provided, single submitter. Criteria: ACMG Guidelines, 2015. Collection method: research. Allele origin: germline. Inheritance: Autosomal recessive inheritance. Affected: yes. Observed: 3 variant alleles, 3 heterozygotes.
Comment: This variant (NM_000500.9:c.1108C>T, p.Arg370Trp) is a reported pathogenic classic allele. ACMG/AMP criteria applied: PM1 (missense change at a residue important for enzyme function), PP1 (co-segregation with disease, transmitted from an affected mother to her daughter in one family in this cohort), PP4 (phenotype specific for CYP21A2 disease), and PP5 (reported Pathogenic in ClinVar). Combined evidence meets the ACMG 2015 criteria for a Pathogenic classification.

PreventionGenetics, part of Exact Sciences
Classification: Pathogenic for CYP21A2-related condition. Last evaluated: 2026-04-26. Review status: criteria provided, single submitter. Criteria: ACMG Guidelines, 2015. Collection method: clinical testing. Allele origin: germline.
Comment: The CYP21A2 c.1108C>T variant is predicted to result in the amino acid substitution p.Arg370Trp. This variant was reported in the compound heterozygous state with another causative variant in individuals with non-classic (NC) congenital adrenal hyperplasia (CAH) (also known as R369W in the literature; Tardy et al. 2010. PubMed ID: 20080860; Fernández et al. 2020. PubMed ID: 32289882). Functional studies by Tardy et al. showed that the residual enzyme activity resulting from this variant is comparable to that of typical NC-CAH-associated variants such as c.844G>T (p.Val282Leu) (aka V281L), indicating that this variant is likely associated with NC-CAH, which is probably due to disturbed oxidoreductase interactions as shown in an in silico evaluation (Haider et al. 2013. PubMed ID: 23359706). Of note, a different substitution at the same codon, defined as c.1109G>A (p.Arg370Gln), was reported to be causative for NC-CAH with supportive evidence from in vitro enzyme activity studies (reported as p.Arg369Gln in Karlsson et al. 2019. PubMed ID: 31344365). The c.1108C>T (p.Arg370Trp) variant is reported in 0.023% of alleles in individuals of Latino descent in gnomAD. This variant falls within a highly paralogous region. Allele frequency data should be interpreted with caution. This variant is interpreted as pathogenic.

Labcorp Genetics (formerly Invitae), Labcorp
Classification: Pathogenic. Last evaluated: 2025-12-17. Review status: criteria provided, single submitter. Criteria: Invitae Variant Classification Sherloc (09022015). Collection method: clinical testing. Allele origin: germline.
Comment: This sequence change replaces arginine, which is basic and polar, with tryptophan, which is neutral and slightly polar, at codon 370 of the CYP21A2 protein (p.Arg370Trp). The frequency data for this variant in the population databases (gnomAD) is considered unreliable due to the presence of homologous sequence, such as pseudogenes or paralogs, in the genome. This missense change has been observed in individual(s) with congenital adrenal hyperplasia due to 21-hydroxylase deficiency (PMID: 20080860). In at least one individual the data is consistent with being in trans (on the opposite chromosome) from a pathogenic variant. This variant is also known as R369W. ClinVar contains an entry for this variant (Variation ID: 2084270). Invitae Evidence Modeling of protein sequence and biophysical properties (such as structural, functional, and spatial information, amino acid conservation, physicochemical variation, residue mobility, and thermodynamic stability) indicates that this missense variant is expected to disrupt CYP21A2 protein function with a positive predictive value of 80%. Experimental studies have shown that this missense change affects CYP21A2 function (PMID: 20080860). For these reasons, this variant has been classified as Pathogenic.

Women's Health and Genetics/Laboratory Corporation of America, LabCorp
Classification: Likely pathogenic for Congenital adrenal hyperplasia. Last evaluated: 2025-08-15. Review status: criteria provided, single submitter. Criteria: LabCorp Variant Classification Summary - May 2015. Collection method: clinical testing. Allele origin: germline.
Comment: Variant summary: CYP21A2 c.1108C>T (p.Arg370Trp) results in a non-conservative amino acid change in the encoded protein sequence. Algorithms developed to predict the effect of missense changes on protein structure and function are either unavailable or do not agree on the potential impact of this missense change. The variant allele was found at a frequency of 6.1e-05 in 246442 control chromosomes. This frequency is not significantly higher than estimated for a pathogenic variant in CYP21A2 causing Congenital Adrenal Hyperplasia (6.1e-05 vs 0.002), allowing no conclusion about variant significance. c.1108C>T has been observed in the compound heterozygous state in individuals affected with Congenital Adrenal Hyperplasia (Tardy_2010, Fernandez_2020). These data indicate that the variant may be associated with disease. At least one publication reports experimental evidence evaluating an impact on protein function. The most pronounced variant effect results in 45% of normal activity (Tardy_2010). This variant is also known as R369W. The following publications have been ascertained in the context of this evaluation (PMID: 32289882, 20080860). ClinVar contains an entry for this variant (Variation ID: 2084270). Based on the evidence outlined above, the variant was classified as likely pathogenic.

Quest Diagnostics Nichols Institute San Juan Capistrano
Classification: Pathogenic. Last evaluated: 2023-10-23. Review status: criteria provided, single submitter. Criteria: Quest Diagnostics criteria. Collection method: clinical testing. Allele origin: unknown.
Comment: The CYP21A2 c.1108C>T (p.Arg370Trp) variant has been reported in the published literature in individuals with congenital adrenal hyperplasia (CAH) due to 21-hydroxylase deficiency (PMID: 20080860 (2010)). Experimental studies reported this variant had a damaging effect on CYP21A2 function (PMID: 20080860 (2010)). The frequency of this variant in the general population, 0.00023 (8/35238 chromosomes (Genome Aggregation Database)), is uninformative in the assessment of its pathogenicity. Analysis of this variant using bioinformatics tools for the prediction of the effect of amino acid changes on protein structure and function yielded predictions that this variant is damaging. Based on the available information, this variant is classified as pathogenic.

Literature cited by the submitters: PubMed 20080860 (cited by 3 submitters); PubMed 32289882 (cited by Women's Health and Genetics/Laboratory Corporation of America, LabCorp).

NM_000500.9(CYP21A2):c.1108C>T (p.Arg370Trp)

Genes: CYP21A2 (cytochrome P450 family 21 subfamily A member 2; plus strand), LOC106780800 (CYP21A2 recombination region; plus strand). Cytogenetic location: 6p21.33.
Variant type: single nucleotide variant.
Coding change: c.1108C>T on transcript NM_000500.9 (MANE Select); coding-DNA position 1108, C replaced by T.
Protein change: p.Arg370Trp; replaces arginine 370 with tryptophan.
Molecular consequence: missense variant.
Genome position (GRCh38, 1-based): chr6:32,040,574, C>T. VCF-style: chr6-32040574-C-T. GRCh37 (hg19) VCF-style: chr6-32008351-C-T.
Other names: p.Arg370Trp (legacy p.Arg369Trp); dbSNP:rs781074931; c.1018C>T, p.Arg340Trp (NM_001128590.4); c.703C>T, p.Arg235Trp (NM_001368143.2, NM_001368144.2); c.1108C>T (NM_000500.7); short protein forms R235W, R340W, R370W.
Identifiers: ClinVar variation 2084270 (VCV002084270.9), dbSNP rs781074931, ClinGen allele CA3732636.